The following is an entry in ClinVar:

NM_018006.5(TRMU):c.1001G>A (p.Arg334His)

Gene: TRMU (tRNA mitochondrial 2-thiouridylase; plus strand). Cytogenetic location: 22q13.31.
Variant type: single nucleotide variant.
Coding change: c.1001G>A on transcript NM_018006.5 (MANE Select); coding-DNA position 1001, G replaced by A.
Protein change: p.Arg334His; replaces arginine 334 with histidine.
Molecular consequence: missense variant. On other transcripts: non-coding transcript variant (2).
Genome position (GRCh38, 1-based): chr22:46,355,571, G>A. VCF-style: chr22-46355571-G-A. GRCh37 (hg19) VCF-style: chr22-46751468-G-A.
Other names: c.*445G>A (NM_001008568.2); c.*539G>A (NM_001008570.2); c.659G>A, p.Arg220His (NM_001282782.2); c.581G>A, p.Arg194His (NM_001282783.2, NM_001282784.2); c.1001G>A, p.Arg334His (NM_001282785.2); short protein forms R220H, R334H, R194H.
Identifiers: ClinVar variation 2148291 (VCV002148291.3), dbSNP rs202229063, ClinGen allele CA10292341.

ClinVar aggregate classification (germline): Uncertain significance (1 of 4 stars; one submission).

Allele frequency attached by ClinVar (database versions not stated): gnomAD exomes 0.00001; TOPMed 0.00001; ExAC 0.00003; gnomAD 0.00003; 1000 Genomes Project 30x 0.00016; 1000 Genomes Project 0.00020.
gnomAD v4.1: 17 of 1,613,340 alleles (0.0011%); highest among the groups gnomAD compares: East Asian, 0.0045%; no homozygotes.

Submission:

Labcorp Genetics (formerly Invitae), Labcorp
Classification: Uncertain significance. Last evaluated: 2024-10-15. Review status: criteria provided, single submitter. Criteria: Invitae Variant Classification Sherloc (09022015). Collection method: clinical testing. Allele origin: germline.
Comment: This sequence change replaces arginine, which is basic and polar, with histidine, which is basic and polar, at codon 334 of the TRMU protein (p.Arg334His). This variant is present in population databases (rs202229063, gnomAD 0.006%). This variant has not been reported in the literature in individuals affected with TRMU-related conditions. ClinVar contains an entry for this variant (Variation ID: 2148291). Invitae Evidence Modeling of protein sequence and biophysical properties (such as structural, functional, and spatial information, amino acid conservation, physicochemical variation, residue mobility, and thermodynamic stability) indicates that this missense variant is not expected to disrupt TRMU protein function with a negative predictive value of 95%. In summary, the available evidence is currently insufficient to determine the role of this variant in disease. Therefore, it has been classified as a Variant of Uncertain Significance.